The following is an entry in ClinVar:

ClinVar aggregate classification (germline): Likely benign. Review status: criteria provided, multiple submitters, no conflicts (2 of 4 stars). 2 submissions from 2 submitters: Likely benign (2). Last evaluated 2024-08-01.

Conditions:
Mucopolysaccharidosis type 1. Also called: IDUA deficiency; MPS I; Mucopolysaccharidosis Type I. Identifiers: Orphanet 579, MedGen C0023786, MONDO:0001586.

gnomAD v4.1: 2 of 1,612,172 alleles (0.00012%); highest among the groups gnomAD compares: Non-Finnish European, 0.00017%; no homozygotes.

Submissions (2):

CeGaT Center for Human Genetics Tuebingen
Classification: Likely benign. Last evaluated: 2024-08-01. Review status: criteria provided, single submitter. Criteria: CeGaT Center For Human Genetics Tuebingen Variant Classification Criteria Version 2. Collection method: clinical testing. Allele origin: germline. Affected: yes. Observed: 1 variant allele.
Comment: IDUA: BP4, BP7

Labcorp Genetics (formerly Invitae), Labcorp
Classification: Likely benign for Mucopolysaccharidosis type 1. Last evaluated: 2021-11-27. Review status: criteria provided, single submitter. Criteria: Invitae Variant Classification Sherloc (09022015). Collection method: clinical testing. Allele origin: germline.

NM_000203.5(IDUA):c.1674C>T (p.Pro558=)

Gene: IDUA (alpha-L-iduronidase; plus strand). Cytogenetic location: 4p16.3.
Variant type: single nucleotide variant.
Coding change: c.1674C>T on transcript NM_000203.5 (MANE Select); coding-DNA position 1674, C replaced by T.
Protein change: p.Pro558=; no amino-acid change (proline 558 retained).
Molecular consequence: synonymous variant. On other transcripts: non-coding transcript variant (1).
Genome position (GRCh38, 1-based): chr4:1,003,572, C>T. VCF-style: chr4-1003572-C-T. GRCh37 (hg19) VCF-style: chr4-997360-C-T.
Other names: c.1278C>T, p.Pro426= (NM_001363576.1).
Identifiers: ClinVar variation 1543884 (VCV001543884.24), dbSNP rs767943753, ClinGen allele CA438058028.